The following is an entry in ClinVar:

NC_000004.11:g.(?_55124936)_(57798318_?)dup

Genes: HOPX (HOP homeobox; minus strand), KDR (kinase insert domain receptor; minus strand), CEP135 (centrosomal protein 135; plus strand), SRP72 (signal recognition particle 72; plus strand), CRACD (capping protein inhibiting regulator of actin dynamics; plus strand) and 15 more. Cytogenetic location: 4q12.
Variant type: Duplication.
Identifiers: ClinVar variation 1433363 (VCV001433363.4).

ClinVar aggregate classification (germline): Uncertain significance. Review status: criteria provided, single submitter (1 of 4 stars). 2 submissions from 1 submitter: Uncertain significance (1). 1 of the submissions does not count toward it. Last evaluated 2022-07-30.

Conditions:
TMEM165-congenital disorder of glycosylation. Also called: TMEM165-CDG; Congenital disorder of glycosylation type 2k; CDG IIk. Identifiers: Orphanet 314667, MedGen C3553571, MONDO:0013870, OMIM 614727.

Submissions (2):

Labcorp Genetics (formerly Invitae), Labcorp
Classification: Uncertain significance for TMEM165-congenital disorder of glycosylation. Last evaluated: 2022-07-30. Review status: criteria provided, single submitter. Criteria: Invitae Variant Classification Sherloc (09022015). Collection method: clinical testing. Allele origin: germline.
Comment: A copy number gain of the genomic region encompassing the full coding sequence of the TMEM165 gene has been identified. The boundaries of this event are unknown as they extend beyond the assayed region for this gene and therefore may encompass additional genes. As the precise location of this event is unknown, it may be in tandem or it may be located elsewhere in the genome. This variant has not been reported in the literature in individuals affected with TMEM165-related conditions. In summary, the available evidence is currently insufficient to determine the role of this variant in disease. Therefore, it has been classified as a Variant of Uncertain Significance.

Labcorp Genetics (formerly Invitae), Labcorp
Classification: Uncertain significance. Last evaluated: 2021-11-01. Review status: flagged submission. Criteria: Invitae Variant Classification Sherloc (09022015). Collection method: clinical testing. Allele origin: germline. Not counted in ClinVar's aggregate classification.
Comment: A copy number gain of the genomic region encompassing the full coding sequence of the SRP72 gene has been identified. The boundaries of this event are unknown as they extend beyond the assayed region for this gene and therefore may encompass additional genes. As the precise location of this event is unknown, it may be in tandem or it may be located elsewhere in the genome. This variant has not been reported in the literature in individuals affected with SRP72-related conditions. Experimental studies and prediction algorithms are not available or were not evaluated, and the functional significance of this variant is currently unknown. In summary, the available evidence is currently insufficient to determine the role of this variant in disease. Therefore, it has been classified as a Variant of Uncertain Significance.
ClinVar note: Reason: This record appears to be redundant with a more recent record from the same submitter.
ClinVar note: Notes: SCV002214741 appears to be redundant with SCV003795182.